The following is an entry in ClinVar:

NM_000428.3(LTBP2):c.220G>C (p.Glu74Gln)

Gene: LTBP2 (latent transforming growth factor beta binding protein 2; minus strand). Cytogenetic location: 14q24.3.
Variant type: single nucleotide variant.
Coding change: c.220G>C on transcript NM_000428.3 (MANE Select); coding-DNA position 220, G replaced by C.
Protein change: p.Glu74Gln; replaces glutamic acid 74 with glutamine.
Molecular consequence: missense variant.
Genome position (GRCh38, 1-based): chr14:74,611,725, C>G on the plus strand (G>C on the coding strand, the complement: LTBP2 is on the minus strand). VCF-style: chr14-74611725-C-G. GRCh37 (hg19) VCF-style: chr14-75078428-C-G.
Other names: short protein forms E74Q.
Identifiers: ClinVar variation 487467 (VCV000487467.11), dbSNP rs79886273, ClinGen allele CA7270243.

ClinVar aggregate classification (germline): Uncertain significance. Review status: criteria provided, multiple submitters, no conflicts (2 of 4 stars). 6 submissions from 4 submitters: Uncertain significance (6). Last evaluated 2024-06-13.

Conditions:
Inborn genetic diseases. Identifiers: MedGen C0950123, MeSH D030342.
Weill-Marchesani syndrome. Also called: WM Syndrome; Mesodermal dysmorphodystrophy congenital. Identifiers: Orphanet 3449, MedGen C0265313, MONDO:0018096.
Microspherophakia and/or megalocornea, with ectopia lentis and with or without secondary glaucoma (MSPKA). Identifiers: Orphanet 238763, MedGen C3538951, MONDO:0009633, OMIM 251750.
Glaucoma 3, primary congenital, D. Identifiers: Orphanet 98976, MedGen C2751316, MONDO:0013122, OMIM 613086.
Weill-Marchesani syndrome 3 (WMS3). Also called: Weill-Marchesani syndrome 3, recessive; LTBP2-Related Weill-Marchesani Syndrome. Identifiers: Orphanet 3449, MedGen C3553785, MONDO:0013899, OMIM 614819.

Allele frequency attached by ClinVar (database versions not stated): gnomAD 0.00013; TOPMed 0.00036; 1000 Genomes Project 30x 0.00047; ESP Exome Variant Server 0.00048.
gnomAD v4.1: 770 of 1,599,694 alleles (0.048%); highest among the groups gnomAD compares: Non-Finnish European, 0.058%; no homozygotes.

Submissions (6):

Ambry Genetics
Classification: Uncertain significance for Inborn genetic diseases. Last evaluated: 2024-06-13. Review status: criteria provided, single submitter. Criteria: Ambry Variant Classification Scheme 2023. Collection method: clinical testing. Allele origin: germline.

Labcorp Genetics (formerly Invitae), Labcorp
Classification: Uncertain significance. Last evaluated: 2022-10-07. Review status: criteria provided, single submitter. Criteria: Invitae Variant Classification Sherloc (09022015). Collection method: clinical testing. Allele origin: germline.
Comment: This sequence change replaces glutamic acid, which is acidic and polar, with glutamine, which is neutral and polar, at codon 74 of the LTBP2 protein (p.Glu74Gln). This variant is present in population databases (rs79886273, gnomAD 0.04%). This variant has not been reported in the literature in individuals affected with LTBP2-related conditions. ClinVar contains an entry for this variant (Variation ID: 487467). Algorithms developed to predict the effect of missense changes on protein structure and function (SIFT, PolyPhen-2, Align-GVGD) all suggest that this variant is likely to be disruptive. In summary, the available evidence is currently insufficient to determine the role of this variant in disease. Therefore, it has been classified as a Variant of Uncertain Significance.

Illumina Laboratory Services, Illumina
Classification: Uncertain significance for Weill-Marchesani syndrome. Last evaluated: 2018-01-12. Review status: criteria provided, single submitter. Criteria: ICSL Variant Classification Criteria 13 December 2019. Collection method: clinical testing. Allele origin: germline.

Illumina Laboratory Services, Illumina
Classification: Uncertain significance for Glaucoma 3, primary congenital, D. Last evaluated: 2018-01-12. Review status: criteria provided, single submitter. Criteria: ICSL Variant Classification Criteria 13 December 2019. Collection method: clinical testing. Allele origin: germline.

Center for Genomics, Ann and Robert H. Lurie Children's Hospital of Chicago
Classification: Uncertain significance for Weill-Marchesani syndrome 3. Last evaluated: 2017-08-01. Review status: criteria provided, single submitter. Criteria: ACMG Guidelines, 2015. Collection method: clinical testing. Allele origin: germline.
Comment: LTBP2 NM_000428.2 exon1 p.Glu74Gln (c.220G>C): This variant has not been reported in the literature but is present in 50/111256 European chromosomes in the Genome Aggregation Database. Evolutionary conservation and computational predictive tools for this variant are unclear. In summary, data on this variant is insufficient for disease classification. Therefore, the clinical significance of this variant is uncertain.

Center for Genomics, Ann and Robert H. Lurie Children's Hospital of Chicago
Classification: Uncertain significance for Glaucoma 3, primary congenital, D; Microspherophakia and/or megalocornea, with ectopia lentis and with or without secondary glaucoma; Weill-Marchesani syndrome 3. Review status: criteria provided, single submitter. Criteria: ACMG Guidelines, 2015. Collection method: clinical testing. Allele origin: germline.
Comment: the same text as in the submission from Center for Genomics, Ann and Robert H. Lurie Children's Hospital of Chicago above.